The following is an entry in ClinVar:

NM_152383.5(DIS3L2):c.598A>G (p.Lys200Glu)

Gene: DIS3L2 (DIS3 like 3'-5' exoribonuclease 2; plus strand). Cytogenetic location: 2q37.1.
Variant type: single nucleotide variant.
Coding change: c.598A>G on transcript NM_152383.5 (MANE Select); coding-DNA position 598, A replaced by G.
Protein change: p.Lys200Glu; replaces lysine 200 with glutamic acid.
Molecular consequence: missense variant. On other transcripts: non-coding transcript variant (2).
Genome position (GRCh38, 1-based): chr2:232,087,718, A>G. VCF-style: chr2-232087718-A-G. GRCh37 (hg19) VCF-style: chr2-232952428-A-G.
Other names: c.598A>G, p.Lys200Glu (NM_001257281.2, NM_001257282.2); short protein forms K200E.
Identifiers: ClinVar variation 856964 (VCV000856964.9), dbSNP rs1384611053, ClinGen allele CA351155332.
Genomic context (GRCh38, chr2:232,087,718, plus strand): 5'-GGCATCACACAAAATGTGCTGGTTGATGGTGTTAAGAAACTCTCAGTTTGTGTTTCTGAG[A>G]AAGGTGAGTACTAGACTATTGTCTTACTTTTTTTTTAAGTACACTGATTAAGTATTGGAA-3'
Protein context (NP_689596.4, residues 190-210): VKKLSVCVSE[Lys200Glu]GREDGDAPVT

ClinVar aggregate classification (germline): Uncertain significance (1 of 4 stars; one submission).

Conditions:
Perlman syndrome (PRLMNS). Identifiers: Orphanet 2849, MedGen C0796113, MONDO:0009965, OMIM 267000.

Allele frequency attached by ClinVar (database versions not stated): gnomAD exomes below 0.00001; gnomAD 0.00001.
gnomAD v4.1: 4 of 1,612,620 alleles (0.00025%); highest among the groups gnomAD compares: Admixed American, 0.005%; no homozygotes.

Submission:

Labcorp Genetics (formerly Invitae), Labcorp
Classification: Uncertain significance for Perlman syndrome. Last evaluated: 2023-09-26. Review status: criteria provided, single submitter. Criteria: Invitae Variant Classification Sherloc (09022015). Collection method: clinical testing. Allele origin: germline.
Comment: This sequence change replaces lysine, which is basic and polar, with glutamic acid, which is acidic and polar, at codon 200 of the DIS3L2 protein (p.Lys200Glu). This variant is present in population databases (no rsID available, gnomAD 0.003%). This variant has not been reported in the literature in individuals affected with DIS3L2-related conditions. ClinVar contains an entry for this variant (Variation ID: 856964). Algorithms developed to predict the effect of missense changes on protein structure and function output the following: SIFT: "Not Available"; PolyPhen-2: "Benign"; Align-GVGD: "Not Available". The glutamic acid amino acid residue is found in multiple mammalian species, which suggests that this missense change does not adversely affect protein function. In summary, the available evidence is currently insufficient to determine the role of this variant in disease. Therefore, it has been classified as a Variant of Uncertain Significance.